The following is an entry in ClinVar:

NM_152594.3(SPRED1):c.867dup (p.Ser290fs)

Gene: SPRED1 (sprouty related EVH1 domain containing 1; plus strand). Cytogenetic location: 15q14.
Variant type: Duplication.
Coding change: c.867dup on transcript NM_152594.3 (MANE Select); coding-DNA position 867, one base duplicated (A; older notation c.867dupA).
Protein change: p.Ser290fs; shifts the reading frame from serine 290.
Molecular consequence: frameshift variant.
Genome position (GRCh38, 1-based): chr15:38,351,196, A duplicated; the last of 6 consecutive A bases (chr15:38,351,191-38,351,196); duplicating any one gives the same sequence. VCF-style (leftmost placement, unchanged base first): chr15-38351190-T-TA. GRCh37 (hg19) VCF-style: chr15-38643391-T-TA.
Other names: short protein forms S290fs.
Identifiers: ClinVar variation 2572233 (VCV002572233.5), dbSNP rs1424526290, ClinGen allele CA617561332.
Genomic context (GRCh38, chr15:38,351,190, plus strand): 5'-GAAAAATGACTTGGAAAGAGATGATGCTGATTCCAGTATTCAGTTTTCTAAACCAGACAG[T>TA]AAAAAATCAGACTATCTGTACTCTTGTGGGGATGAGACTAAGTTAAGTTCACCCAAAGAC-3'

ClinVar aggregate classification (germline): Pathogenic/Likely pathogenic. Review status: criteria provided, multiple submitters, no conflicts (2 of 4 stars). 3 submissions from 3 submitters: Pathogenic (1); Likely pathogenic (2). Last evaluated 2023-07-03.

Conditions:
Legius syndrome. Identifiers: Orphanet 137605, MedGen C1969623, MONDO:0012669, OMIM 611431. Disease mechanism: loss of function.
SPRED1-related disorder. Also called: SPRED1-related condition.

Submissions (3):

Labcorp Genetics (formerly Invitae), Labcorp
Classification: Pathogenic for Legius syndrome. Last evaluated: 2023-07-03. Review status: criteria provided, single submitter. Criteria: Invitae Variant Classification Sherloc (09022015). Collection method: clinical testing. Allele origin: germline.
Comment: This sequence change creates a premature translational stop signal (p.Ser290Ilefs*10) in the SPRED1 gene. While this is not anticipated to result in nonsense mediated decay, it is expected to disrupt the last 155 amino acid(s) of the SPRED1 protein. This variant is present in population databases (no rsID available, gnomAD 0.004%). This variant has not been reported in the literature in individuals affected with SPRED1-related conditions. This variant disrupts a region of the SPRED1 protein in which other variant(s) (p.Cys418Alafs*6) have been determined to be pathogenic (PMID: 19920235; Invitae). This suggests that this is a clinically significant region of the protein, and that variants that disrupt it are likely to be disease-causing. For these reasons, this variant has been classified as Pathogenic.

Greenwood Genetic Center Diagnostic Laboratories, Greenwood Genetic Center
Classification: Likely pathogenic for Legius syndrome. Last evaluated: 2023-05-22. Review status: criteria provided, single submitter. Criteria: ACMG Guidelines, 2015. Collection method: clinical testing. Allele origin: germline. Affected: yes.
Comment: PVS1, PM2

Blueprint Genetics
Classification: Likely pathogenic for SPRED1-related disorders. Last evaluated: 2022-03-25. Review status: criteria provided, single submitter. Criteria: ACMG Guidelines, 2015. Collection method: clinical testing. Allele origin: germline. Affected: yes. Observed: 1 variant allele.

Literature cited by the submitters: PubMed 19920235 (cited by Labcorp Genetics (formerly Invitae), Labcorp).